The following is an entry in ClinVar:

NM_004655.4(AXIN2):c.475G>T (p.Asp159Tyr)

Gene: AXIN2 (axin 2; minus strand). Cytogenetic location: 17q24.1.
Variant type: single nucleotide variant.
Coding change: c.475G>T on transcript NM_004655.4 (MANE Select); coding-DNA position 475, G replaced by T.
Protein change: p.Asp159Tyr; replaces aspartic acid 159 with tyrosine.
Molecular consequence: missense variant.
Genome position (GRCh38, 1-based): chr17:65,558,146, C>A on the plus strand (G>T on the coding strand, the complement: AXIN2 is on the minus strand). VCF-style: chr17-65558146-C-A. GRCh37 (hg19) VCF-style: chr17-63554264-C-A.
Other names: c.475G>T (LRG_296t1); c.475G>T, p.Asp159Tyr (NM_001363813.1); short protein forms D159Y.
Identifiers: ClinVar variation 408839 (VCV000408839.28), dbSNP rs753036084, ClinGen allele CA8719042.

ClinVar aggregate classification (germline): Conflicting classifications of pathogenicity. Review status: criteria provided, conflicting classifications (1 of 4 stars). 9 submissions from 9 submitters: Uncertain significance (6); Likely benign (3). Last evaluated 2026-05-01.

Conditions:
AXIN2-related disorder.
Hereditary cancer-predisposing syndrome. Also called: Neoplastic Syndromes, Hereditary; Tumor predisposition; Hereditary Cancer Syndrome; Hereditary neoplastic syndrome. Identifiers: Orphanet 140162, MedGen C0027672, MeSH D009386, MONDO:0015356.
Oligodontia-cancer predisposition syndrome. Also called: TOOTH AGENESIS-COLORECTAL CANCER SYNDROME. Identifiers: Orphanet 300576, MedGen C1837750, MONDO:0012075, OMIM 608615. Disease mechanism: loss of function.

Allele frequency attached by ClinVar (database versions not stated): gnomAD 0.00007 and 0.00008; TOPMed 0.00009.
gnomAD v4.1: 141 of 1,614,058 alleles (0.0087%); highest among the groups gnomAD compares: Admixed American, 0.03%; no homozygotes.

Submissions (9):

PreventionGenetics, part of Exact Sciences
Classification: Uncertain significance for AXIN2-related condition. Last evaluated: 2026-05-01. Review status: criteria provided, single submitter. Criteria: ACMG Guidelines, 2015. Collection method: clinical testing. Allele origin: germline.
Comment: The AXIN2 c.475G>T variant is predicted to result in the amino acid substitution p.Asp159Tyr. It has also been identified in a retrospective study of patients seen at a high-complexity cancer center in Chile and was reported as uncertain (Supplementary Table 2, Martin et al. 2024. PubMed ID: 38566764). This variant is reported in 0.037% of alleles in individuals of Latino descent in gnomAD and has conflicting interpretations of uncertain significance and likely benign in ClinVar (Variation ID: 408839). Although we suspect that this variant may be benign, at this time, the clinical significance of this variant is uncertain due to the absence of conclusive functional and genetic evidence.

Labcorp Genetics (formerly Invitae), Labcorp
Classification: Uncertain significance for Oligodontia-cancer predisposition syndrome. Last evaluated: 2026-02-03. Review status: criteria provided, single submitter. Criteria: Invitae Variant Classification Sherloc (09022015). Collection method: clinical testing. Allele origin: germline.
Comment: This sequence change replaces aspartic acid, which is acidic and polar, with tyrosine, which is neutral and polar, at codon 159 of the AXIN2 protein (p.Asp159Tyr). This variant is present in population databases (rs753036084, gnomAD 0.04%), and has an allele count higher than expected for a pathogenic variant. This variant has not been reported in the literature in individuals affected with AXIN2-related conditions. ClinVar contains an entry for this variant (Variation ID: 408839). Invitae Evidence Modeling of protein sequence and biophysical properties (such as structural, functional, and spatial information, amino acid conservation, physicochemical variation, residue mobility, and thermodynamic stability) indicates that this missense variant is expected to disrupt AXIN2 protein function with a positive predictive value of 80%. In summary, the available evidence is currently insufficient to determine the role of this variant in disease. Therefore, it has been classified as a Variant of Uncertain Significance.

Quest Diagnostics Nichols Institute San Juan Capistrano
Classification: Likely benign. Last evaluated: 2025-09-03. Review status: criteria provided, single submitter. Criteria: Quest Diagnostics criteria. Collection method: clinical testing. Allele origin: unknown.

Center for Genomic Medicine, Rigshospitalet, Copenhagen University Hospital
Classification: Uncertain significance. Last evaluated: 2025-03-04. Review status: criteria provided, single submitter. Criteria: ACMG Guidelines, 2015. Collection method: clinical testing. Allele origin: germline.

GeneDx
Classification: Uncertain significance. Last evaluated: 2024-12-30. Review status: criteria provided, single submitter. Criteria: GeneDx Variant Classification Process June 2021. Collection method: clinical testing. Allele origin: germline. Affected: yes.
Comment: In silico analysis supports that this missense variant has a deleterious effect on protein structure/function; Has not been previously published as pathogenic or benign to our knowledge; This variant is associated with the following publications: (PMID: 15735151)

St. Jude Molecular Pathology, St. Jude Children's Research Hospital
Classification: Uncertain significance for Oligodontia-cancer predisposition syndrome. Last evaluated: 2024-12-08. Review status: criteria provided, single submitter. Criteria: St. Jude Assertion Criteria 2020. Collection method: clinical testing. Allele origin: germline.
Comment: The AXIN2 c.475G>T (p.Asp159Tyr) missense change has a maximum subpopulation frequency of 0.04% in gnomAD v2.1.1. The in silico tool REVEL is inconclusive about a pathogenic or benign effect of this variant on protein function, and to our knowledge functional studies have not been performed. To our knowledge, this variant has not been reported in the literature in individuals with oligodontia-cancer predisposition syndrome. In summary, the evidence currently available is insufficient to determine the clinical significance of this variant. It has therefore been classified as of uncertain significance.

Women's Health and Genetics/Laboratory Corporation of America, LabCorp
Classification: Uncertain significance. Last evaluated: 2024-11-11. Review status: criteria provided, single submitter. Criteria: LabCorp Variant Classification Summary - May 2015. Collection method: clinical testing. Allele origin: germline.
Comment: Variant summary: AXIN2 c.475G>T (p.Asp159Tyr) results in a non-conservative amino acid change located in the Regulator of G-protein signaling domain (IPR036305) of the encoded protein sequence. Four of five in-silico tools predict a damaging effect of the variant on protein function. The variant allele was found at a frequency of 9.5e-05 in 251488 control chromosomes. This frequency is not significantly higher than estimated for a pathogenic variant in AXIN2 causing Colorectal Cancer (9.5e-05 vs 0.00014), allowing no conclusion about variant significance. c.475G>T has been reported in the literature in individuals affected with breast and/or ovarian cancer, including male breast cancer, all without evidence of causality (e.g. AlSaati_2023, Martin_2024). These reports do not provide unequivocal conclusions about association of the variant with Colorectal Cancer. To our knowledge, no experimental evidence demonstrating an impact on protein function has been reported. The following publications have been ascertained in the context of this evaluation (PMID: 37762649, 38566764). ClinVar contains an entry for this variant (Variation ID: 408839). Based on the evidence outlined above, the variant was classified as uncertain significance.

Ambry Genetics
Classification: Likely benign for Hereditary cancer-predisposing syndrome. Last evaluated: 2023-05-31. Review status: criteria provided, single submitter. Criteria: Ambry Variant Classification Scheme 2023. Collection method: clinical testing. Allele origin: germline.

Sema4
Classification: Likely benign for Hereditary cancer-predisposing syndrome. Last evaluated: 2021-05-06. Review status: criteria provided, single submitter. Criteria: Sema4 Curation Guidelines. Collection method: curation. Allele origin: germline.

Literature cited by the submitters: PubMed 37762649 (cited by Quest Diagnostics Nichols Institute San Juan Capistrano and Women's Health and Genetics/Laboratory Corporation of America, LabCorp); PubMed 34301788 (cited by Quest Diagnostics Nichols Institute San Juan Capistrano); PubMed 38566764 (cited by Women's Health and Genetics/Laboratory Corporation of America, LabCorp).